The following is an entry in ClinVar:

NM_022765.4(MICAL1):c.2304+3A>G

Gene: MICAL1 (microtubule associated monooxygenase, calponin and LIM domain containing 1; minus strand). Cytogenetic location: 6q21.
Variant type: single nucleotide variant.
Coding change: c.2304+3A>G on transcript NM_022765.4 (MANE Select); 3 bases into the intron after coding-DNA position 2304, A replaced by G.
Molecular consequence: intron variant.
Genome position (GRCh38, 1-based): chr6:109,446,693, T>C on the plus strand (A>G on the coding strand, the complement: MICAL1 is on the minus strand). VCF-style: chr6-109446693-T-C. GRCh37 (hg19) VCF-style: chr6-109767896-T-C.
Other names: c.2361+3A>G (NM_001286613.2); c.2046+3A>G (NM_001159291.2).
Identifiers: ClinVar variation 2714898 (VCV002714898.3), dbSNP rs1451114800, ClinGen allele CA569571082.

ClinVar aggregate classification (germline): Uncertain significance (1 of 4 stars; one submission).

Allele frequency attached by ClinVar (database versions not stated): gnomAD exomes below 0.00001; TOPMed 0.00001.
gnomAD v4.1: 2 of 1,613,476 alleles (0.00012%); highest among the groups gnomAD compares: Admixed American, 0.0033%; no homozygotes.

Submission:

Labcorp Genetics (formerly Invitae), Labcorp
Classification: Uncertain significance. Last evaluated: 2025-05-22. Review status: criteria provided, single submitter. Criteria: Invitae Variant Classification Sherloc (09022015). Collection method: clinical testing. Allele origin: germline.
Comment: This sequence change falls in intron 18 of the MICAL1 gene. It does not directly change the encoded amino acid sequence of the MICAL1 protein. It affects a nucleotide within the consensus splice site. This variant is present in population databases (no rsID available, gnomAD 0.003%). This variant has not been reported in the literature in individuals affected with MICAL1-related conditions. ClinVar contains an entry for this variant (Variation ID: 2714898). Variants that disrupt the consensus splice site are a relatively common cause of aberrant splicing (PMID: 17576681, 9536098). Algorithms developed to predict the effect of sequence changes on RNA splicing suggest that this variant may disrupt the consensus splice site. In summary, the available evidence is currently insufficient to determine the role of this variant in disease. Therefore, it has been classified as a Variant of Uncertain Significance.

Literature cited by the submitters: PubMed 17576681; PubMed 9536098.